The following is an entry in ClinVar:

ClinVar aggregate classification (germline): Conflicting classifications of pathogenicity. Review status: criteria provided, conflicting classifications (1 of 4 stars). 4 submissions from 4 submitters: Uncertain significance (2); Likely benign (2). Last evaluated 2025-09-03.

Conditions:
Cardiovascular phenotype. Identifiers: MedGen CN230736.
Long QT syndrome (LQTS). Identifiers: MedGen C0023976, MeSH D008133, MONDO:0002442. Disease mechanism: loss of function. Inheritance: Various modes of inheritance.

Allele frequency attached by ClinVar (database versions not stated): gnomAD 0.00001 and 0.00002; TOPMed 0.00001; ExAC 0.00002; gnomAD exomes 0.00003; ESP Exome Variant Server 0.00008; 1000 Genomes Project 30x 0.00016; 1000 Genomes Project 0.00020.
gnomAD v4.1: 28 of 1,614,054 alleles (0.0017%); highest among the groups gnomAD compares: South Asian, 0.0022%; no homozygotes.

Submissions (4):

Ambry Genetics
Classification: Likely benign for Cardiovascular phenotype. Last evaluated: 2025-09-03. Review status: criteria provided, single submitter. Criteria: Ambry Variant Classification Scheme 2023. Collection method: clinical testing. Allele origin: germline.

Labcorp Genetics (formerly Invitae), Labcorp
Classification: Uncertain significance for Long QT syndrome. Last evaluated: 2025-01-23. Review status: criteria provided, single submitter. Criteria: Invitae Variant Classification Sherloc (09022015). Collection method: clinical testing. Allele origin: germline.
Comment: This sequence change replaces glycine, which is neutral and non-polar, with arginine, which is basic and polar, at codon 1943 of the ANK2 protein (p.Gly1943Arg). This variant is present in population databases (rs367592943, gnomAD 0.007%). This variant has not been reported in the literature in individuals affected with ANK2-related conditions. ClinVar contains an entry for this variant (Variation ID: 191407). An algorithm developed to predict the effect of missense changes on protein structure and function (PolyPhen-2) suggests that this variant is likely to be disruptive. In summary, the available evidence is currently insufficient to determine the role of this variant in disease. Therefore, it has been classified as a Variant of Uncertain Significance.

Blueprint Genetics
Classification: Likely benign. Last evaluated: 2024-10-18. Review status: criteria provided, single submitter. Criteria: ACMG Guidelines, 2015. Collection method: clinical testing. Allele origin: germline.

Biesecker Lab/Clinical Genomics Section, National Institutes of Health
Classification: Uncertain significance. Last evaluated: 2013-06-24. Review status: criteria provided, single submitter. Criteria: Ng et al. (Circ Cardiovasc Genet. 2013). Collection method: research. Allele origin: unknown. Observed: 1 variant allele. Study: ClinSeq.
Comment: The study set was not selected for affection status in relation to any cancer. Pathogenicity categories were based on literature curation. See Pubmed ID:23861362 for details.

Medical sequencing

Literature cited by the submitters: PubMed 23861362 (cited by Ambry Genetics).

NM_001148.6(ANK2):c.5827G>A (p.Gly1943Arg)

Genes: ANK2 (ankyrin 2; plus strand), LOC126807136 (MED14-independent group 3 enhancer GRCh37_chr4:114274931-114276130; plus strand). Cytogenetic location: 4q26.
Variant type: single nucleotide variant.
Coding change: c.5827G>A on transcript NM_001148.6 (MANE Select); coding-DNA position 5827, G replaced by A.
Protein change: p.Gly1943Arg; replaces glycine 1943 with arginine.
Molecular consequence: missense variant. On other transcripts: intron variant (68).
Genome position (GRCh38, 1-based): chr4:113,354,445, G>A. VCF-style: chr4-113354445-G-A. GRCh37 (hg19) VCF-style: chr4-114275601-G-A.
Other names: c.5593G>A, p.Gly1865Arg (NM_001386142.1); c.2227G>A, p.Gly743Arg (NM_001386166.1); c.5968G>A, p.Gly1990Arg (NM_001386174.1); c.5944G>A, p.Gly1982Arg (NM_001386175.1); c.4411+4196G>A (NM_001386186.2, NM_001386148.2); c.4213+4196G>A (NM_001354269.3); c.4291+4196G>A (NM_001386187.2); c.4252+4196G>A (NM_001386147.1); and 35 more; short protein forms G1943R, G1865R, G1982R, G1990R, G743R.
Identifiers: ClinVar variation 191407 (VCV000191407.4), dbSNP rs367592943, ClinGen allele CA236552.